The following is an entry in ClinVar:

NM_182914.3(SYNE2):c.11159A>G (p.Gln3720Arg)

Gene: SYNE2 (spectrin repeat containing nuclear envelope protein 2; plus strand). Cytogenetic location: 14q23.2.
Variant type: single nucleotide variant.
Coding change: c.11159A>G on transcript NM_182914.3 (MANE Select); coding-DNA position 11159, A replaced by G.
Protein change: p.Gln3720Arg; replaces glutamine 3720 with arginine.
Molecular consequence: missense variant.
Genome position (GRCh38, 1-based): chr14:64,078,602, A>G. VCF-style: chr14-64078602-A-G. GRCh37 (hg19) VCF-style: chr14-64545320-A-G.
Other names: c.11159A>G, p.Gln3720Arg (NM_015180.6); short protein forms Q3720R.
Identifiers: ClinVar variation 2041162 (VCV002041162.4), dbSNP rs2097490037, ClinGen allele CA389940294.
Genomic context (GRCh38, chr14:64,078,602, plus strand): 5'-ATAATGTTGAAAAGATGTTGCAGCAGAAAAGCAAAAATATTGAGAAAGCTCAAGAAATTC[A>G]AAAGGTAAAATCCTCCTTTAACTCCCTTCAGCATTTGGTACTTCTGACCCACTCCTGCCT-3'
Protein context (NP_878918.2, residues 3710-3730): SKNIEKAQEI[Gln3720Arg]KKMWDELDLW

ClinVar aggregate classification (germline): Uncertain significance (1 of 4 stars; one submission).

Conditions:
Emery-Dreifuss muscular dystrophy 5, autosomal dominant (EDMD5). Also called: EMERY-DREIFUSS MUSCULAR DYSTROPHY 5. Identifiers: Orphanet 261, MedGen C2751805, MONDO:0013072, OMIM 612999.

Allele frequency attached by ClinVar (database versions not stated): TOPMed below 0.00001; gnomAD 0.00001.
gnomAD v4.1: 1 of 1,613,798 alleles (0.000062%); highest among the groups gnomAD compares: Non-Finnish European, 0.000085%; no homozygotes.

Submission:

Labcorp Genetics (formerly Invitae), Labcorp
Classification: Uncertain significance for Emery-Dreifuss muscular dystrophy 5, autosomal dominant. Last evaluated: 2022-06-19. Review status: criteria provided, single submitter. Criteria: Invitae Variant Classification Sherloc (09022015). Collection method: clinical testing. Allele origin: germline.
Comment: In summary, the available evidence is currently insufficient to determine the role of this variant in disease. Therefore, it has been classified as a Variant of Uncertain Significance. Algorithms developed to predict the effect of missense changes on protein structure and function are either unavailable or do not agree on the potential impact of this missense change (SIFT: "Tolerated"; PolyPhen-2: "Probably Damaging"; Align-GVGD: "Class C0"). This variant has not been reported in the literature in individuals affected with SYNE2-related conditions. This variant is not present in population databases (gnomAD no frequency). This sequence change replaces glutamine, which is neutral and polar, with arginine, which is basic and polar, at codon 3720 of the SYNE2 protein (p.Gln3720Arg).